The following is an entry in ClinVar:

NM_003128.3(SPTBN1):c.3755C>T (p.Ser1252Phe)

Gene: SPTBN1 (spectrin beta, non-erythrocytic 1; plus strand). Cytogenetic location: 2p16.2.
Variant type: single nucleotide variant.
Coding change: c.3755C>T on transcript NM_003128.3 (MANE Select); coding-DNA position 3755, C replaced by T.
Protein change: p.Ser1252Phe; replaces serine 1252 with phenylalanine.
Molecular consequence: missense variant.
Genome position (GRCh38, 1-based): chr2:54,632,756, C>T. VCF-style: chr2-54632756-C-T. GRCh37 (hg19) VCF-style: chr2-54859893-C-T.
Other names: c.3716C>T, p.Ser1239Phe (NM_178313.3); short protein forms S1239F, S1252F.
Identifiers: ClinVar variation 3372316 (VCV003372316.1).
Genomic context (GRCh38, chr2:54,632,756, plus strand): 5'-GCCGGAGGCTGGTGAGCGATGGGAACATCAACTCAGATCGCATCCAGGAGAAGGTGGACT[C>T]TATTGATGACAGGTACAGTTTTCTGAGGTTCTTAAGGGAGCCTTGCACCTTGGGGCTCTC-3'
Protein context (NP_003119.2, residues 1242-1262): NSDRIQEKVD[Ser1252Phe]IDDRHRKNRE

ClinVar aggregate classification (germline): Uncertain significance (1 of 4 stars; one submission).

Submission:

GeneDx
Classification: Uncertain significance. Last evaluated: 2024-04-09. Review status: criteria provided, single submitter. Criteria: GeneDx Variant Classification Process June 2021. Collection method: clinical testing. Allele origin: germline. Affected: yes.
Comment: Not observed at significant frequency in large population cohorts (gnomAD); In silico analysis supports that this missense variant has a deleterious effect on protein structure/function; Has not been previously published as pathogenic or benign to our knowledge